The following is an entry in ClinVar:

NM_013275.6(ANKRD11):c.1295C>T (p.Thr432Met)

Gene: ANKRD11 (ankyrin repeat domain 11; minus strand). Cytogenetic location: 16q24.3.
Variant type: single nucleotide variant.
Coding change: c.1295C>T on transcript NM_013275.6 (MANE Select); coding-DNA position 1295, C replaced by T.
Protein change: p.Thr432Met; replaces threonine 432 with methionine.
Molecular consequence: missense variant.
Genome position (GRCh38, 1-based): chr16:89,285,247, G>A on the plus strand (C>T on the coding strand, the complement: ANKRD11 is on the minus strand). VCF-style: chr16-89285247-G-A. GRCh37 (hg19) VCF-style: chr16-89351655-G-A.
Other names: c.1295C>T, p.Thr432Met (NM_001256182.2, NM_001256183.2); short protein forms T432M.
Identifiers: ClinVar variation 2852666 (VCV002852666.13), dbSNP rs148472572, ClinGen allele CA8242812.
Genomic context (GRCh38, chr16:89,285,247, plus strand): 5'-TTTTTTTCCTTCTGCTGCTTGGCATTAGAAGGCTCTCGTGTCTTACTACCAGGCAATATC[G>A]TATGTGCCGAGAGTCTCAGCTTCTCTCCTGTCCCCACGGTGACACTCGCGTCCTCCTCGT-3'
Protein context (NP_037407.4, residues 422-442): TGEKLRLSAH[Thr432Met]ILPGSKTREP

ClinVar aggregate classification (germline): Conflicting classifications of pathogenicity. Review status: criteria provided, conflicting classifications (1 of 4 stars). 2 submissions from 2 submitters: Uncertain significance (1); Likely benign (1). Last evaluated 2026-06-01.

Conditions:
KBG syndrome (KBGS). Also called: ANKRD11-Related KBG Syndrome. Identifiers: Orphanet 2332, MedGen C0220687, MONDO:0007846, OMIM 148050.

Allele frequency attached by ClinVar (database versions not stated): ExAC 0.00004; ESP Exome Variant Server 0.00008; 1000 Genomes Project 30x 0.00016; 1000 Genomes Project 0.00020.
gnomAD v4.1: 161 of 1,613,628 alleles (0.01%); highest among the groups gnomAD compares: Non-Finnish European, 0.012%; no homozygotes.

Submissions (2):

CeGaT Center for Human Genetics Tuebingen
Classification: Likely benign. Last evaluated: 2026-06-01. Review status: criteria provided, single submitter. Criteria: CeGaT Center For Human Genetics Tuebingen Variant Classification Criteria Version 2. Collection method: clinical testing. Allele origin: germline. Affected: yes. Observed: 2 variant alleles.
Comment: ANKRD11: BP4, BS2

Labcorp Genetics (formerly Invitae), Labcorp
Classification: Uncertain significance for KBG syndrome. Last evaluated: 2023-06-09. Review status: criteria provided, single submitter. Criteria: Invitae Variant Classification Sherloc (09022015). Collection method: clinical testing. Allele origin: germline.
Comment: In summary, the available evidence is currently insufficient to determine the role of this variant in disease. Therefore, it has been classified as a Variant of Uncertain Significance. Advanced modeling of protein sequence and biophysical properties (such as structural, functional, and spatial information, amino acid conservation, physicochemical variation, residue mobility, and thermodynamic stability) performed at Invitae indicates that this missense variant is not expected to disrupt ANKRD11 protein function. This variant has not been reported in the literature in individuals affected with ANKRD11-related conditions. This variant is present in population databases (rs148472572, gnomAD 0.01%). This sequence change replaces threonine, which is neutral and polar, with methionine, which is neutral and non-polar, at codon 432 of the ANKRD11 protein (p.Thr432Met).